The following is an entry in ClinVar:

ClinVar aggregate classification (germline): Uncertain significance. Review status: criteria provided, multiple submitters, no conflicts (2 of 4 stars). 2 submissions from 2 submitters: Uncertain significance (2). Last evaluated 2023-10-01.

Conditions:
Retinal dystrophy. Also called: Inherited retinal dystrophy. Identifiers: Orphanet 71862, MedGen C0854723, MeSH D058499, MONDO:0019118, HP:0000556.

Allele frequency attached by ClinVar (database versions not stated): TOPMed below 0.00001; ExAC 0.00001; gnomAD exomes 0.00001.

Submissions (2):

Dept Of Ophthalmology, Nagoya University
Classification: Uncertain significance for Retinal dystrophy. Last evaluated: 2023-10-01. Review status: criteria provided, single submitter. Criteria: Submitter's publication. Collection method: research. Allele origin: germline. Affected: yes.

Labcorp Genetics (formerly Invitae), Labcorp
Classification: Uncertain significance. Last evaluated: 2022-03-13. Review status: criteria provided, single submitter. Criteria: Invitae Variant Classification Sherloc (09022015). Collection method: clinical testing. Allele origin: germline.
Comment: This variant, c.2710_2715del, results in the deletion of 2 amino acid(s) of the MERTK protein (p.Ala904_Ser905del), but otherwise preserves the integrity of the reading frame. This variant is present in population databases (rs770055965, gnomAD 0.05%). In summary, the available evidence is currently insufficient to determine the role of this variant in disease. Therefore, it has been classified as a Variant of Uncertain Significance. Experimental studies and prediction algorithms are not available or were not evaluated, and the functional significance of this variant is currently unknown. This variant has not been reported in the literature in individuals affected with MERTK-related conditions.

NM_006343.3(MERTK):c.2710_2715del (p.Ala904_Ser905del)

Gene: MERTK (MER proto-oncogene, tyrosine kinase; plus strand). Cytogenetic location: 2q13.
Variant type: Deletion.
Coding change: c.2710_2715del on transcript NM_006343.3 (MANE Select); coding-DNA positions 2710 to 2715, 6 bases deleted (GCCTCC; older notation c.2710_2715delGCCTCC).
Protein change: p.Ala904_Ser905del.
Molecular consequence: inframe deletion.
Genome position (GRCh38, 1-based): chr2:112,028,574-112,028,579, GCCTCC deleted. VCF-style (leftmost placement, unchanged base first): chr2-112028573-TGCCTCC-T. GRCh37 (hg19) VCF-style: chr2-112786150-TGCCTCC-T.
Other names: c.2710_2715delGCCTCC (NM_006343.3).
Identifiers: ClinVar variation 2171665 (VCV002171665.3), dbSNP rs770055965, ClinGen allele CA1831952.